The following is an entry in ClinVar:

ClinVar aggregate classification (germline): Uncertain significance. Review status: criteria provided, multiple submitters, no conflicts (2 of 4 stars). 2 submissions from 2 submitters: Uncertain significance (2). Last evaluated 2024-08-19.

Conditions:
Bethlem myopathy 1A. Also called: MYOPATHY, BENIGN CONGENITAL, WITH CONTRACTURES; Bethlem myopathy 1; Bethlem Muscular Dystrophy. Identifiers: Orphanet 610, MedGen CN029274, MONDO:0024530, OMIM 158810.
Inborn genetic diseases. Identifiers: MedGen C0950123, MeSH D030342.

gnomAD v4.1: 1 of 1,614,118 alleles (0.000062%); highest among the groups gnomAD compares: South Asian, 0.0011%; no homozygotes.

Submissions (2):

Ambry Genetics
Classification: Uncertain significance for Inborn genetic diseases. Last evaluated: 2024-08-19. Review status: criteria provided, single submitter. Criteria: Ambry Variant Classification Scheme 2023. Collection method: clinical testing. Allele origin: germline.

Labcorp Genetics (formerly Invitae), Labcorp
Classification: Uncertain significance for Bethlem myopathy 1A. Last evaluated: 2024-03-27. Review status: criteria provided, single submitter. Criteria: Invitae Variant Classification Sherloc (09022015). Collection method: clinical testing. Allele origin: germline.
Comment: This sequence change replaces glutamic acid, which is acidic and polar, with lysine, which is basic and polar, at codon 2057 of the COL6A3 protein (p.Glu2057Lys). This variant is not present in population databases (gnomAD no frequency). This variant has not been reported in the literature in individuals affected with COL6A3-related conditions. Advanced modeling of protein sequence and biophysical properties (such as structural, functional, and spatial information, amino acid conservation, physicochemical variation, residue mobility, and thermodynamic stability) has been performed at Invitae for this missense variant, however the output from this modeling did not meet the statistical confidence thresholds required to predict the impact of this variant on COL6A3 protein function. In summary, the available evidence is currently insufficient to determine the role of this variant in disease. Therefore, it has been classified as a Variant of Uncertain Significance.

NM_004369.4(COL6A3):c.6169G>A (p.Glu2057Lys)

Gene: COL6A3 (collagen type VI alpha 3 chain; minus strand). Cytogenetic location: 2q37.3.
Variant type: single nucleotide variant.
Coding change: c.6169G>A on transcript NM_004369.4 (MANE Select); coding-DNA position 6169, G replaced by A.
Protein change: p.Glu2057Lys; replaces glutamic acid 2057 with lysine.
Molecular consequence: missense variant.
Genome position (GRCh38, 1-based): chr2:237,361,162, C>T on the plus strand (G>A on the coding strand, the complement: COL6A3 is on the minus strand). VCF-style: chr2-237361162-C-T. GRCh37 (hg19) VCF-style: chr2-238269805-C-T.
Other names: c.4348G>A, p.Glu1450Lys (NM_057166.5); c.5551G>A, p.Glu1851Lys (NM_057167.4); short protein forms E1851K, E1450K, E2057K.
Identifiers: ClinVar variation 3495672 (VCV003495672.3).